The following is an entry in ClinVar:

ClinVar aggregate classification (germline): Uncertain significance (1 of 4 stars; one submission).

Submission:

Ambry Genetics
Classification: Uncertain significance. Last evaluated: 2026-08-04. Review status: criteria provided, single submitter. Criteria: Ambry Variant Classification Scheme 2023. Collection method: clinical testing. Allele origin: germline.
Comment: The p.P1144L variant (also known as c.3431C>T), located in coding exon 13 of the CDK12 gene, results from a C to T substitution at nucleotide position 3431. The proline at codon 1144 is replaced by leucine, an amino acid with similar properties. This amino acid position is conserved. In addition, the in silico prediction for this alteration is inconclusive. Based on the available evidence, the clinical significance of this variant remains unclear.

NM_016507.4(CDK12):c.3431C>T (p.Pro1144Leu)

Gene: CDK12 (cyclin dependent kinase 12; plus strand). Cytogenetic location: 17q12.
Variant type: single nucleotide variant.
Coding change: c.3431C>T on transcript NM_016507.4 (MANE Select); coding-DNA position 3431, C replaced by T.
Protein change: p.Pro1144Leu; replaces proline 1144 with leucine.
Molecular consequence: missense variant.
Genome position (GRCh38, 1-based): chr17:39,525,987, C>T. VCF-style: chr17-39525987-C-T. GRCh37 (hg19) VCF-style: chr17-37682240-C-T.
Other names: c.3431C>T, p.Pro1144Leu (NM_015083.4); short protein forms P1144L.
Identifiers: ClinVar variation 5034134 (VCV005034134.1).